The following is an entry in ClinVar:

NM_002161.6(IARS1):c.2783A>G (p.Gln928Arg)

Gene: IARS1 (isoleucyl-tRNA synthetase 1; minus strand). Cytogenetic location: 9q22.31.
Variant type: single nucleotide variant.
Coding change: c.2783A>G on transcript NM_002161.6 (MANE Select); coding-DNA position 2783, A replaced by G.
Protein change: p.Gln928Arg; replaces glutamine 928 with arginine.
Molecular consequence: missense variant. On other transcripts: non-coding transcript variant (1).
Genome position (GRCh38, 1-based): chr9:92,247,385, T>C on the plus strand (A>G on the coding strand, the complement: IARS1 is on the minus strand). VCF-style: chr9-92247385-T-C. GRCh37 (hg19) VCF-style: chr9-95009667-T-C.
Other names: c.2708A>G, p.Gln903Arg (NM_001374299.1, NM_001374300.1, NM_001378584.1); c.2699A>G, p.Gln900Arg (NM_001374301.1); c.2846A>G, p.Gln949Arg (NM_001378569.1); c.2804A>G, p.Gln935Arg (NM_001378571.1); c.2783A>G, p.Gln928Arg (NM_001378572.1, NM_001378573.1, NM_001378574.1 and 9 more transcripts); c.2687A>G, p.Gln896Arg (NM_001378582.1); c.2660A>G, p.Gln887Arg (NM_001378583.1); c.2783A>G (NM_013417.2); short protein forms Q896R, Q900R, Q949R, Q903R, Q928R, Q935R, Q887R.
Identifiers: ClinVar variation 2177000 (VCV002177000.5), dbSNP rs760459809, ClinGen allele CA5122104.

ClinVar aggregate classification (germline): Uncertain significance. Review status: criteria provided, multiple submitters, no conflicts (2 of 4 stars). 2 submissions from 2 submitters: Uncertain significance (2). Last evaluated 2026-01-19.

Allele frequency attached by ClinVar (database versions not stated): gnomAD 0.00001; gnomAD exomes 0.00001; TOPMed 0.00002; ExAC 0.00004.

Submissions (2):

Labcorp Genetics (formerly Invitae), Labcorp
Classification: Uncertain significance. Last evaluated: 2026-01-19. Review status: criteria provided, single submitter. Criteria: Invitae Variant Classification Sherloc (09022015). Collection method: clinical testing. Allele origin: germline.
Comment: This sequence change replaces glutamine, which is neutral and polar, with arginine, which is basic and polar, at codon 928 of the IARS protein (p.Gln928Arg). This variant is present in population databases (rs760459809, gnomAD 0.04%). This variant has not been reported in the literature in individuals affected with IARS-related conditions. ClinVar contains an entry for this variant (Variation ID: 2177000). An algorithm developed to predict the effect of missense changes on protein structure and function (PolyPhen-2) suggests that this variant is likely to be tolerated. In summary, the available evidence is currently insufficient to determine the role of this variant in disease. Therefore, it has been classified as a Variant of Uncertain Significance.

Ambry Genetics
Classification: Uncertain significance. Last evaluated: 2025-07-01. Review status: criteria provided, single submitter. Criteria: Ambry Variant Classification Scheme 2023. Collection method: clinical testing. Allele origin: germline.